The following is an entry in ClinVar:

ClinVar aggregate classification (germline): Pathogenic (1 of 4 stars; one submission).

Conditions:
Osteogenesis imperfecta type I (OI1). Also called: Lobstein disease; Osteogenesis imperfecta type 1; OI, TYPE I; OSTEOGENESIS IMPERFECTA TARDA; OSTEOGENESIS IMPERFECTA WITH BLUE SCLERAE; Lobstein's Disease. Identifiers: Orphanet 216796, Orphanet 666, MedGen C0023931, MONDO:0008146, OMIM 166200. Disease mechanism: loss of function.

Submission:

Labcorp Genetics (formerly Invitae), Labcorp
Classification: Pathogenic for Osteogenesis imperfecta type I. Last evaluated: 2018-04-09. Review status: criteria provided, single submitter. Criteria: Invitae Variant Classification Sherloc (09022015). Collection method: clinical testing. Allele origin: germline.
Comment: This sequence change creates a premature translational stop signal (p.Phe1198Serfs*41) in the COL1A1 gene. It is expected to result in an absent or disrupted protein product. This variant is not present in population databases (ExAC no frequency). This variant has not been reported in the literature in individuals with COL1A1-related disease. Loss-of-function variants in COL1A1 are known to be pathogenic (PMID: 7942841, 9295084, 9443882). For these reasons, this variant has been classified as Pathogenic.

NM_000088.4(COL1A1):c.3593del (p.Phe1198fs)

Gene: COL1A1 (collagen type I alpha 1 chain; minus strand). Cytogenetic location: 17q21.33.
Variant type: Deletion.
Coding change: c.3593del on transcript NM_000088.4 (MANE Select); coding-DNA position 3593, one base deleted (T; older notation c.3593delT).
Protein change: p.Phe1198fs; shifts the reading frame from phenylalanine 1198.
Molecular consequence: frameshift variant.
Genome position (GRCh38, 1-based): chr17:50,186,861, A deleted on the plus strand (T on the coding strand, the reverse complement: COL1A1 is on the minus strand); the first of 2 consecutive A bases (chr17:50,186,861-50,186,862); deleting either gives the same sequence. VCF-style (leftmost placement, unchanged base first): chr17-50186860-GA-G. GRCh37 (hg19) VCF-style: chr17-48264221-GA-G.
Other names: c.3593delT (NM_000088.3); short protein forms F1198fs.
Identifiers: ClinVar variation 578747 (VCV000578747.1), dbSNP rs1567752998, ClinGen allele CA891843987.